The following is an entry in ClinVar:

ClinVar aggregate classification (germline): Conflicting classifications of pathogenicity. Review status: criteria provided, conflicting classifications (1 of 4 stars). 2 submissions from 2 submitters: Uncertain significance (1); Likely benign (1). Last evaluated 2024-11-18.

Conditions:
Cardiomyopathy (CMYO). Also called: Cardiomyopathies. Identifiers: Orphanet 167848, MedGen C0878544, MONDO:0004994, HP:0001638. Inheritance: Various modes of inheritance.
Hypertrophic cardiomyopathy. Also called: HYPERTROPHIC MYOCARDIOPATHY. Identifiers: Orphanet 217569, MedGen C0007194, MeSH D002312, MONDO:0005045, HP:0001639.

gnomAD v4.1: 1 of 1,610,428 alleles (0.000062%); highest among the groups gnomAD compares: Non-Finnish European, 0.000085%; no homozygotes.

Submissions (2):

Labcorp Genetics (formerly Invitae), Labcorp
Classification: Likely benign for Hypertrophic cardiomyopathy. Last evaluated: 2024-11-18. Review status: criteria provided, single submitter. Criteria: Invitae Variant Classification Sherloc (09022015). Collection method: clinical testing. Allele origin: germline.

Color Diagnostics, LLC DBA Color Health
Classification: Uncertain significance for Cardiomyopathy. Last evaluated: 2020-09-29. Review status: criteria provided, single submitter. Criteria: ACMG Guidelines, 2015. Collection method: clinical testing. Allele origin: germline.
Comment: This variant alters two consecutive nucleotides in intron 6 of the TNNI3 gene. Splice site prediction tools and conservation analysis are inconclusive regarding the impact of this variant on RNA splicing. To our knowledge, functional studies have not been reported for this variant. This variant has not been reported in individuals affected with cardiovascular disorders in the literature. This variant has not been identified in the general population by the Genome Aggregation Database (gnomAD). The available evidence is insufficient to determine the role of this variant in disease conclusively. Therefore, this variant is classified as a Variant of Uncertain Significance.

NM_000363.5(TNNI3):c.373-11T>C

Gene: TNNI3 (troponin I3, cardiac type; minus strand). Cytogenetic location: 19q13.42.
Variant type: single nucleotide variant.
Coding change: c.373-11T>C on transcript NM_000363.5 (MANE Select); 11 bases into the intron before coding-DNA position 373, T replaced by C.
Molecular consequence: intron variant.
Genome position (GRCh38, 1-based): chr19:55,154,217, A>G on the plus strand (T>C on the coding strand, the complement: TNNI3 is on the minus strand). VCF-style: chr19-55154217-A-G. GRCh37 (hg19) VCF-style: chr19-55665585-A-G.
Identifiers: ClinVar variation 1171488 (VCV001171488.10), dbSNP rs746918706, ClinGen allele CA633906548.
Genomic context (GRCh38, chr19:55,154,217, plus strand): 5'-CGCTTAAACTTGCCTCGAAGGTCAAAGATCTTCTGAGTCAGATCTGCAATCTGGGGGCAC[A>G]CGAGGGGGTGGGTACTTCTCCTTCCATTTCCCGCACACCCAACTCCTCCATCCTACACTC-3'